The following is an entry in ClinVar:

NM_001005498.4(RHBDF2):c.1508C>T (p.Pro503Leu)

Gene: RHBDF2 (rhomboid 5 homolog 2; minus strand). Cytogenetic location: 17q25.1.
Variant type: single nucleotide variant.
Coding change: c.1508C>T on transcript NM_001005498.4 (MANE Select); coding-DNA position 1508, C replaced by T.
Protein change: p.Pro503Leu; replaces proline 503 with leucine.
Molecular consequence: missense variant. On other transcripts: non-coding transcript variant (3).
Genome position (GRCh38, 1-based): chr17:76,474,099, G>A on the plus strand (C>T on the coding strand, the complement: RHBDF2 is on the minus strand). VCF-style: chr17-76474099-G-A. GRCh37 (hg19) VCF-style: chr17-74470181-G-A.
Other names: c.1508C>T, p.Pro503Leu (NM_001376228.1, NM_001376229.1, NM_001376230.1); c.1595C>T, p.Pro532Leu (NM_024599.5); short protein forms P503L, P532L.
Identifiers: ClinVar variation 3604994 (VCV003604994.2).

ClinVar aggregate classification (germline): Uncertain significance (1 of 4 stars; one submission).

Submission:

Labcorp Genetics (formerly Invitae), Labcorp
Classification: Uncertain significance. Last evaluated: 2024-06-30. Review status: criteria provided, single submitter. Criteria: Invitae Variant Classification Sherloc (09022015). Collection method: clinical testing. Allele origin: germline.
Comment: This sequence change replaces proline, which is neutral and non-polar, with leucine, which is neutral and non-polar, at codon 532 of the RHBDF2 protein (p.Pro532Leu). This variant is present in population databases (rs200323155, gnomAD 0.003%). This variant has not been reported in the literature in individuals affected with RHBDF2-related conditions. An algorithm developed to predict the effect of missense changes on protein structure and function (PolyPhen-2) suggests that this variant is likely to be disruptive. In summary, the available evidence is currently insufficient to determine the role of this variant in disease. Therefore, it has been classified as a Variant of Uncertain Significance.